The following is an entry in ClinVar:

NM_001010874.5(TECRL):c.413G>A (p.Gly138Asp)

Gene: TECRL (trans-2,3-enoyl-CoA reductase like; minus strand). Cytogenetic location: 4q13.1.
Variant type: single nucleotide variant.
Coding change: c.413G>A on transcript NM_001010874.5 (MANE Select); coding-DNA position 413, G replaced by A.
Protein change: p.Gly138Asp; replaces glycine 138 with aspartic acid.
Molecular consequence: missense variant.
Genome position (GRCh38, 1-based): chr4:64,322,711, C>T on the plus strand (G>A on the coding strand, the complement: TECRL is on the minus strand). VCF-style: chr4-64322711-C-T. GRCh37 (hg19) VCF-style: chr4-65188429-C-T.
Other names: c.413G>A, p.Gly138Asp (NM_001363796.1); short protein forms G138D.
Identifiers: ClinVar variation 3454627 (VCV003454627.1).

ClinVar aggregate classification (germline): Uncertain significance (1 of 4 stars; one submission).

Conditions:
Cardiovascular phenotype. Identifiers: MedGen CN230736.

gnomAD v4.1: 18 of 1,606,622 alleles (0.0011%); highest among the groups gnomAD compares: South Asian, 0.02%; no homozygotes.

Submission:

Ambry Genetics
Classification: Uncertain significance for Cardiovascular phenotype. Last evaluated: 2024-08-11. Review status: criteria provided, single submitter. Criteria: Ambry Variant Classification Scheme 2023. Collection method: clinical testing. Allele origin: germline.
Comment: The p.G138D variant (also known as c.413G>A), located in coding exon 4 of the TECRL gene, results from a G to A substitution at nucleotide position 413. The glycine at codon 138 is replaced by aspartic acid, an amino acid with similar properties. This amino acid position is conserved. In addition, the in silico prediction for this alteration is inconclusive. Based on the available evidence, the clinical significance of this variant remains unclear.